The following is an entry in ClinVar:

NM_003470.3(USP7):c.1289A>T (p.Gln430Leu)

Gene: USP7 (ubiquitin specific peptidase 7; minus strand). Cytogenetic location: 16p13.2.
Variant type: single nucleotide variant.
Coding change: c.1289A>T on transcript NM_003470.3 (MANE Select); coding-DNA position 1289, A replaced by T.
Protein change: p.Gln430Leu; replaces glutamine 430 with leucine.
Molecular consequence: missense variant. On other transcripts: non-coding transcript variant (1).
Genome position (GRCh38, 1-based): chr16:8,906,565, T>A on the plus strand (A>T on the coding strand, the complement: USP7 is on the minus strand). VCF-style: chr16-8906565-T-A. GRCh37 (hg19) VCF-style: chr16-9000422-T-A.
Other names: c.1241A>T, p.Gln414Leu (NM_001286457.2); c.992A>T, p.Gln331Leu (NM_001286458.2); c.1115A>T, p.Gln372Leu (NM_001321858.2); short protein forms Q331L, Q372L, Q414L, Q430L.
Identifiers: ClinVar variation 4278885 (VCV004278885.1).

ClinVar aggregate classification (germline): Uncertain significance (1 of 4 stars; one submission).

gnomAD v4.1: 2 of 1,612,238 alleles (0.00012%); highest among the groups gnomAD compares: Non-Finnish European, 0.00017%; no homozygotes.

Submission:

GeneDx
Classification: Uncertain significance. Last evaluated: 2025-04-01. Review status: criteria provided, single submitter. Criteria: GeneDx Variant Classification Process June 2021. Collection method: clinical testing. Allele origin: germline. Affected: yes.
Comment: Not observed at significant frequency in large population cohorts (gnomAD); In silico analysis supports that this missense variant has a deleterious effect on protein structure/function; Has not been previously published as pathogenic or benign to our knowledge